The following is an entry in ClinVar:

NM_138694.4(PKHD1):c.8470C>G (p.Gln2824Glu)

Gene: PKHD1 (PKHD1 ciliary IPT domain containing fibrocystin/polyductin; minus strand). Cytogenetic location: 6p12.3.
Variant type: single nucleotide variant.
Coding change: c.8470C>G on transcript NM_138694.4 (MANE Select); coding-DNA position 8470, C replaced by G.
Protein change: p.Gln2824Glu; replaces glutamine 2824 with glutamic acid.
Molecular consequence: missense variant.
Genome position (GRCh38, 1-based): chr6:51,775,892, G>C on the plus strand (C>G on the coding strand, the complement: PKHD1 is on the minus strand). VCF-style: chr6-51775892-G-C. GRCh37 (hg19) VCF-style: chr6-51640690-G-C.
Other names: c.8470C>G, p.Gln2824Glu (NM_170724.3); short protein forms Q2824E.
Identifiers: ClinVar variation 2046103 (VCV002046103.4), dbSNP rs2534339661, ClinGen allele CA364438322.

ClinVar aggregate classification (germline): Uncertain significance (1 of 4 stars; one submission).

Conditions:
Autosomal recessive polycystic kidney disease (ARPKD). Also called: AR polycystic kidney disease. Identifiers: Orphanet 731, Orphanet 8378, MedGen C0085548, MeSH D017044, MONDO:0009889.

Submission:

Labcorp Genetics (formerly Invitae), Labcorp
Classification: Uncertain significance for Autosomal recessive polycystic kidney disease. Last evaluated: 2022-06-05. Review status: criteria provided, single submitter. Criteria: Invitae Variant Classification Sherloc (09022015). Collection method: clinical testing. Allele origin: germline.
Comment: This sequence change replaces glutamine, which is neutral and polar, with glutamic acid, which is acidic and polar, at codon 2824 of the PKHD1 protein (p.Gln2824Glu). This variant is not present in population databases (gnomAD no frequency). In summary, the available evidence is currently insufficient to determine the role of this variant in disease. Therefore, it has been classified as a Variant of Uncertain Significance. Advanced modeling of protein sequence and biophysical properties (such as structural, functional, and spatial information, amino acid conservation, physicochemical variation, residue mobility, and thermodynamic stability) performed at Invitae indicates that this missense variant is not expected to disrupt PKHD1 protein function. This variant has not been reported in the literature in individuals affected with PKHD1-related conditions.